The following is an entry in ClinVar:

NM_000051.4(ATM):c.8281_8284del (p.Gln2762fs)

Genes: ATM (ATM serine/threonine kinase; plus strand), C11orf65 (chromosome 11 open reading frame 65; minus strand). Cytogenetic location: 11q22.3.
Variant type: Microsatellite.
Coding change: c.8281_8284del on transcript NM_000051.4 (MANE Select); coding-DNA positions 8281 to 8284, 4 bases deleted (TCTC; older notation c.8281_8284delTCTC).
Protein change: p.Gln2762fs; shifts the reading frame from glutamine 2762.
Molecular consequence: frameshift variant. On other transcripts: intron variant (2).
Genome position (GRCh38, 1-based): chr11:108,343,234-108,343,237, TCTC deleted; deleting any 4 consecutive bases within chr11:108,343,231-108,343,237 gives the same sequence; the c. name uses the placement nearest the transcript's 3' end. VCF-style (leftmost placement, unchanged base first): chr11-108343230-CCTCT-C. GRCh37 (hg19) VCF-style: chr11-108213957-CCTCT-C.
Other names: c.8281_8284del, p.Gln2762fs (NM_001351834.2); c.641-34163_641-34160del (NM_001330368.2); c.695-7942_695-7939del (NM_001351110.2); c.8281_8284delTCTC (NM_000051.3); short protein forms Q2762fs.
Identifiers: ClinVar variation 639719 (VCV000639719.9), dbSNP rs775899653, ClinGen allele CA6266342.
Genomic context (GRCh38, chr11:108,343,230, plus strand): 5'-ATGCTCTTTAATGGCCTTTTAAAATTAAAAGGTATTTAATCTGTAACTCCAGGTGGTTCC[CCTCT>C]CTCAGCGAAGTGGTGTTCTTGAATGGTGCACAGGAACTGTCCCCATTGGTGAATTTCTTG-3'

ClinVar aggregate classification (germline): Pathogenic. Review status: criteria provided, multiple submitters, no conflicts (2 of 4 stars). 2 submissions from 2 submitters: Pathogenic (2). Last evaluated 2023-03-20.

Conditions:
Familial cancer of breast. Also called: Hereditary breast cancer; BREAST CANCER, FAMILIAL; hereditary breast carcinoma. Identifiers: Orphanet 227535, MedGen C0346153, MONDO:0016419, OMIM 114480. Disease mechanism: loss of function.
Ataxia-telangiectasia syndrome (AT). Also called: Ataxia-telangiectasia, complementation group D; AT, COMPLEMENTATION GROUP C; ATAXIA-TELANGIECTASIA, COMPLEMENTATION GROUP A; ATAXIA-TELANGIECTASIA, FRESNO VARIANT; Ataxia-telangiectasia; LOUIS-BAR SYNDROME. Identifiers: Orphanet 100, MedGen C0004135, MONDO:0008840, OMIM 208900.

Submissions (2):

Myriad Genetics, Inc.
Classification: Pathogenic for Familial cancer of breast. Last evaluated: 2023-03-20. Review status: criteria provided, single submitter. Criteria: Myriad Autosomal Dominant, Autosomal Recessive and X-Linked Classification Criteria (2023). Collection method: clinical testing. Allele origin: unknown.
Comment: This variant is considered pathogenic. This variant creates a frameshift predicted to result in premature protein truncation.

Labcorp Genetics (formerly Invitae), Labcorp
Classification: Pathogenic for Ataxia-telangiectasia syndrome. Last evaluated: 2021-03-22. Review status: criteria provided, single submitter. Criteria: Invitae Variant Classification Sherloc (09022015). Collection method: clinical testing. Allele origin: germline.
Comment: For these reasons, this variant has been classified as Pathogenic. Loss-of-function variants in ATM are known to be pathogenic (PMID: 23807571, 25614872). This variant has not been reported in the literature in individuals with ATM-related disease. This variant is present in population databases (rs775899653, ExAC 0.001%). This sequence change creates a premature translational stop signal (p.Gln2762Glufs*43) in the ATM gene. It is expected to result in an absent or disrupted protein product.

Literature cited by the submitters: PubMed 23807571 (cited by Labcorp Genetics (formerly Invitae), Labcorp); PubMed 25614872 (cited by Labcorp Genetics (formerly Invitae), Labcorp).